The following is an entry in ClinVar:

ClinVar aggregate classification (germline): Uncertain significance (1 of 4 stars; one submission).

Conditions:
Noonan syndrome (NS). Also called: Noonan's syndrome. Identifiers: Orphanet 648, MedGen C0028326, MeSH D009634, MONDO:0018997. Disease mechanism: gain of function.

Allele frequency attached by ClinVar (database versions not stated): TOPMed 0.00001; ExAC 0.00002.

Submission:

Labcorp Genetics (formerly Invitae), Labcorp
Classification: Uncertain significance for Noonan syndrome. Last evaluated: 2025-10-02. Review status: criteria provided, single submitter. Criteria: Invitae Variant Classification Sherloc (09022015). Collection method: clinical testing. Allele origin: germline.
Comment: This sequence change replaces arginine, which is basic and polar, with tryptophan, which is neutral and slightly polar, at codon 113 of the RRAS protein (p.Arg113Trp). This variant is present in population databases (rs751389740, gnomAD 0.003%). This variant has not been reported in the literature in individuals affected with RRAS-related conditions. ClinVar contains an entry for this variant (Variation ID: 2199243). An algorithm developed to predict the effect of missense changes on protein structure and function (PolyPhen-2) suggests that this variant is likely to be disruptive. In summary, the available evidence is currently insufficient to determine the role of this variant in disease. Therefore, it has been classified as a Variant of Uncertain Significance.

NM_006270.5(RRAS):c.337C>T (p.Arg113Trp)

Gene: RRAS (RAS related; minus strand). Cytogenetic location: 19q13.33.
Variant type: single nucleotide variant.
Coding change: c.337C>T on transcript NM_006270.5 (MANE Select); coding-DNA position 337, C replaced by T.
Protein change: p.Arg113Trp; replaces arginine 113 with tryptophan.
Molecular consequence: missense variant.
Genome position (GRCh38, 1-based): chr19:49,636,831, G>A on the plus strand (C>T on the coding strand, the complement: RRAS is on the minus strand). VCF-style: chr19-49636831-G-A. GRCh37 (hg19) VCF-style: chr19-50140088-G-A.
Other names: short protein forms R113W.
Identifiers: ClinVar variation 2199243 (VCV002199243.4), dbSNP rs751389740, ClinGen allele CA9579070.